The following is an entry in ClinVar:

ClinVar aggregate classification (germline): Uncertain significance. Review status: criteria provided, multiple submitters, no conflicts (2 of 4 stars). 4 submissions from 4 submitters: Uncertain significance (4). Last evaluated 2025-12-15.

Conditions:
Blau syndrome (BLAUS). Also called: GRANULOMATOSIS, FAMILIAL JUVENILE SYSTEMIC; GRANULOMATOSIS, FAMILIAL, BLAU TYPE; GRANULOMATOUS INFLAMMATORY ARTHRITIS, DERMATITIS, AND UVEITIS, FAMILIAL; JABS SYNDROME; ARTHROCUTANEOUVEAL GRANULOMATOSIS. Identifiers: Orphanet 90340, MedGen C5201146, MONDO:0008523, OMIM 186580.
Regional enteritis. Also called: Enteritis, Granulomatous. Identifiers: MedGen C0678202, MeSH D003424.

Allele frequency attached by ClinVar (database versions not stated): gnomAD 0.00001 and 0.00003; ExAC 0.00002; TOPMed 0.00004.
gnomAD v4.1: 53 of 1,614,098 alleles (0.0033%); highest among the groups gnomAD compares: Middle Eastern, 0.033%; no homozygotes.

Submissions (4):

Labcorp Genetics (formerly Invitae), Labcorp
Classification: Uncertain significance for Regional enteritis; Blau syndrome. Last evaluated: 2025-12-15. Review status: criteria provided, single submitter. Criteria: Invitae Variant Classification Sherloc (09022015). Collection method: clinical testing. Allele origin: germline.
Comment: This sequence change creates a premature translational stop signal (p.Gln233*) in the NOD2 gene. It is expected to result in an absent or disrupted protein product. However, the current clinical and genetic evidence is not sufficient to establish whether loss-of-function variants in NOD2 cause disease. This variant is present in population databases (rs781333877, gnomAD 0.01%). This premature translational stop signal has been observed in individual(s) with clinical features of infammatory bowel disease (PMID: 33692434). ClinVar contains an entry for this variant (Variation ID: 849868). In summary, the available evidence is currently insufficient to determine the role of this variant in disease. Therefore, it has been classified as a Variant of Uncertain Significance.

Blueprint Genetics
Classification: Uncertain significance. Last evaluated: 2023-10-24. Review status: criteria provided, single submitter. Criteria: ACMG Guidelines, 2015. Collection method: clinical testing. Allele origin: germline.

ARUP Laboratories, Molecular Genetics and Genomics, ARUP Laboratories
Classification: Uncertain significance. Last evaluated: 2020-03-12. Review status: criteria provided, single submitter. Criteria: ARUP Molecular Germline Variant Investigation Process. Collection method: clinical testing. Allele origin: germline.
Comment: The NOD2 c.697C>T; p.Gln233Ter variant (rs781333877), to our knowledge, is not reported in the medical literature but is listed in a gene specific database in one individual affected with Blau syndrome and in an unaffected parent (see link below). The variant is reported in the general population with an overall allele frequency of 0.003% (8/251,468 alleles) in the Genome Aggregation Database. This variant induces an early termination codon and is predicted to result in a truncated protein or mRNA subject to nonsense-mediated decay. Loss-of-function variants are not an established mechanism of disease for Blau syndrome, but have been associated with an increased risk for Crohn's disease (Huang 2017). Thus, due to limited information, the clinical significance of the p.Gln233Ter variant is uncertain at this time. REFERENCES: Link to Infevers database: Huang H et al. Fine-mapping inflammatory bowel disease loci to single-variant resolution. Nature. 2017 Jul 13;547(7662):173-178.

Laboratory for Molecular Medicine, Mass General Brigham Personalized Medicine
Classification: Uncertain significance. Last evaluated: 2019-08-02. Review status: criteria provided, single submitter. Criteria: LMM Criteria. Collection method: clinical testing. Allele origin: germline. Observed: 1 variant allele.
Comment: The p.Gln233X variant in NOD2 has not been previously reported in individuals with Blau syndrome or Crohn's disease but has been identified in 0.01% (4/34590) of Latino chromosomes by gnomAD. This nonsense variant leads to a premature termination codon at position 233, which is predicted to lead to a truncated or absent protein. Loss of function of NOD2 is not an established mechanism for disease. In summary, the clinical significance of this variant is uncertain. ACMG/AMP Criteria applied: None applied.

Literature cited by the submitters: PubMed 33692434 (cited by Labcorp Genetics (formerly Invitae), Labcorp).

NM_001370466.1(NOD2):c.616C>T (p.Gln206Ter)

Gene: NOD2 (nucleotide binding oligomerization domain containing 2; plus strand). Cytogenetic location: 16q12.1.
Variant type: single nucleotide variant.
Coding change: c.616C>T on transcript NM_001370466.1 (MANE Select); coding-DNA position 616, C replaced by T.
Protein change: p.Gln206Ter; replaces glutamine 206 with a stop codon.
Molecular consequence: nonsense. On other transcripts: non-coding transcript variant (1).
Genome position (GRCh38, 1-based): chr16:50,710,608, C>T. VCF-style: chr16-50710608-C-T. GRCh37 (hg19) VCF-style: chr16-50744519-C-T.
Other names: c.616C>T, p.Gln206Ter (NM_001293557.2); c.697C>T, p.Gln233Ter (NM_022162.3); short protein forms Q233*, Q206*.
Identifiers: ClinVar variation 849868 (VCV000849868.21), dbSNP rs781333877, ClinGen allele CA8051376.
Genomic context (GRCh38, chr16:50,710,608, plus strand): 5'-TGCCTTCCAGCTGCCACATGCAAGAAGTATATGGCCAAGCTGAGGACCACGGTGTCTGCT[C>T]AGTCTCGCTTCCTCAGTACCTATGATGGAGCAGAGACGCTCTGCCTGGAGGACATATACA-3'